The following is an entry in ClinVar:

ClinVar aggregate classification (germline): Uncertain significance (1 of 4 stars; one submission).

Conditions:
PHGDH deficiency. Identifiers: Orphanet 79351, MedGen C1866174, MONDO:0011152, OMIM 601815.

Allele frequency attached by ClinVar (database versions not stated): gnomAD exomes below 0.00001; gnomAD 0.00001; 1000 Genomes Project 30x 0.00016; 1000 Genomes Project 0.00020.
gnomAD v4.1: 2 of 1,613,312 alleles (0.00012%); highest among the groups gnomAD compares: East Asian, 0.0045%; no homozygotes.

Submission:

Labcorp Genetics (formerly Invitae), Labcorp
Classification: Uncertain significance for PHGDH deficiency. Last evaluated: 2022-05-27. Review status: criteria provided, single submitter. Criteria: Invitae Variant Classification Sherloc (09022015). Collection method: clinical testing. Allele origin: germline.
Comment: This sequence change replaces valine, which is neutral and non-polar, with leucine, which is neutral and non-polar, at codon 374 of the PHGDH protein (p.Val374Leu). This variant is present in population databases (rs587744834, gnomAD 0.01%). This variant has not been reported in the literature in individuals affected with PHGDH-related conditions. Algorithms developed to predict the effect of missense changes on protein structure and function are either unavailable or do not agree on the potential impact of this missense change (SIFT: "Deleterious"; PolyPhen-2: "Benign"; Align-GVGD: "Class C0"). In summary, the available evidence is currently insufficient to determine the role of this variant in disease. Therefore, it has been classified as a Variant of Uncertain Significance.

NM_006623.4(PHGDH):c.1120G>C (p.Val374Leu)

Gene: PHGDH (phosphoglycerate dehydrogenase; plus strand). Cytogenetic location: 1p12.
Variant type: single nucleotide variant.
Coding change: c.1120G>C on transcript NM_006623.4 (MANE Select); coding-DNA position 1120, G replaced by C.
Protein change: p.Val374Leu; replaces valine 374 with leucine.
Molecular consequence: missense variant.
Genome position (GRCh38, 1-based): chr1:119,741,808, G>C. VCF-style: chr1-119741808-G-C. GRCh37 (hg19) VCF-style: chr1-120284431-G-C.
Other names: short protein forms V374L.
Identifiers: ClinVar variation 2162688 (VCV002162688.1), dbSNP rs587744834, ClinGen allele CA1037369.